The following is an entry in ClinVar:

NM_001386298.1(CIC):c.176C>G (p.Ala59Gly)

Gene: CIC (capicua transcriptional repressor; plus strand). Cytogenetic location: 19q13.2.
Variant type: single nucleotide variant.
Coding change: c.176C>G on transcript NM_001386298.1 (MANE Select); coding-DNA position 176, C replaced by G.
Protein change: p.Ala59Gly; replaces alanine 59 with glycine.
Molecular consequence: missense variant.
Genome position (GRCh38, 1-based): chr19:42,271,959, C>G. VCF-style: chr19-42271959-C-G. GRCh37 (hg19) VCF-style: chr19-42776111-C-G.
Other names: c.176C>G, p.Ala59Gly (NM_001304815.2, NM_001379480.1, NM_001379482.1 and 1 more transcripts); short protein forms A59G.
Identifiers: ClinVar variation 2649943 (VCV002649943.24), dbSNP rs2036806868, ClinGen allele CA406078604.

ClinVar aggregate classification (germline): Uncertain significance (1 of 4 stars; one submission).

Allele frequency attached by ClinVar (database versions not stated): gnomAD 0.00001.

Submission:

CeGaT Center for Human Genetics Tuebingen
Classification: Uncertain significance. Last evaluated: 2022-09-01. Review status: criteria provided, single submitter. Criteria: CeGaT Center For Human Genetics Tuebingen Variant Classification Criteria Version 2. Collection method: clinical testing. Allele origin: germline. Affected: yes. Observed: 1 variant allele.
Comment: CIC: PM2